The following is an entry in ClinVar:

NM_025074.7(FRAS1):c.8418G>A (p.Thr2806=)

Gene: FRAS1 (Fraser extracellular matrix complex subunit 1; plus strand). Cytogenetic location: 4q21.21.
Variant type: single nucleotide variant.
Coding change: c.8418G>A on transcript NM_025074.7 (MANE Select); coding-DNA position 8418, G replaced by A.
Protein change: p.Thr2806=; no amino-acid change (threonine 2806 retained).
Molecular consequence: synonymous variant.
Genome position (GRCh38, 1-based): chr4:78,479,693, G>A. VCF-style: chr4-78479693-G-A. GRCh37 (hg19) VCF-style: chr4-79400847-G-A.
Other names: c.8418G>A (NM_025074.6).
Identifiers: ClinVar variation 2993441 (VCV002993441.5), dbSNP rs528999904, ClinGen allele CA2978353.

ClinVar aggregate classification (germline): Likely benign. Review status: criteria provided, single submitter (1 of 4 stars). 2 submissions from 2 submitters: Likely benign (1). 1 of the submissions does not count toward it. Last evaluated 2026-01-27.

Conditions:
FRAS1-related disorder. Also called: FRAS1-related condition.

Allele frequency attached by ClinVar (database versions not stated): gnomAD 0.00003; ExAC 0.00006; gnomAD exomes 0.00004; TOPMed 0.00001.
gnomAD v4.1: 57 of 1,595,562 alleles (0.0036%); highest among the groups gnomAD compares: South Asian, 0.057%; no homozygotes.

Submissions (2):

Labcorp Genetics (formerly Invitae), Labcorp
Classification: Likely benign. Last evaluated: 2026-01-27. Review status: criteria provided, single submitter. Criteria: Invitae Variant Classification Sherloc (09022015). Collection method: clinical testing. Allele origin: germline.

PreventionGenetics, part of Exact Sciences
Classification: Likely benign for FRAS1-related condition. Last evaluated: 2024-03-12. Review status: no assertion criteria provided. Collection method: clinical testing. Allele origin: germline. Not counted in ClinVar's aggregate classification.
Comment: This variant is classified as likely benign based on ACMG/AMP sequence variant interpretation guidelines (Richards et al. 2015 PMID: 25741868, with internal and published modifications).